The following is an entry in ClinVar:

NM_002292.4(LAMB2):c.2383T>A (p.Cys795Ser)

Gene: LAMB2 (laminin subunit beta 2; minus strand). Cytogenetic location: 3p21.31.
Variant type: single nucleotide variant.
Coding change: c.2383T>A on transcript NM_002292.4 (MANE Select); coding-DNA position 2383, T replaced by A.
Protein change: p.Cys795Ser; replaces cysteine 795 with serine.
Molecular consequence: missense variant.
Genome position (GRCh38, 1-based): chr3:49,125,852, A>T on the plus strand (T>A on the coding strand, the complement: LAMB2 is on the minus strand). VCF-style: chr3-49125852-A-T. GRCh37 (hg19) VCF-style: chr3-49163285-A-T.
Other names: p.Cys795Ser; short protein forms C795S.
Identifiers: ClinVar variation 4540875 (VCV004540875.1).

ClinVar aggregate classification (germline): Uncertain significance (1 of 4 stars; one submission).

Submission:

Mayo Clinic Laboratories, Mayo Clinic
Classification: Uncertain significance. Last evaluated: 2025-10-22. Review status: criteria provided, single submitter. Criteria: ACMG Guidelines, 2015. Collection method: clinical testing. Allele origin: germline. Observed: 1 variant allele.
Comment: PP3_strong, PM2_supporting